The following is an entry in ClinVar:

NM_201599.3(ZMYM3):c.1055C>A (p.Thr352Asn)

Gene: ZMYM3 (zinc finger MYM-type containing 3; minus strand). Cytogenetic location: Xq13.1.
Variant type: single nucleotide variant.
Coding change: c.1055C>A on transcript NM_201599.3 (MANE Select); coding-DNA position 1055, C replaced by A.
Protein change: p.Thr352Asn; replaces threonine 352 with asparagine.
Molecular consequence: missense variant.
Genome position (GRCh38, 1-based): chrX:71,250,450, G>T on the plus strand (C>A on the coding strand, the complement: ZMYM3 is on the minus strand). VCF-style: chrX-71250450-G-T. GRCh37 (hg19) VCF-style: chrX-70470300-G-T.
Other names: c.1055C>A, p.Thr352Asn (NM_001171162.1, NM_001171163.1, NM_005096.3); short protein forms T352N.
Identifiers: ClinVar variation 3778419 (VCV003778419.7).

ClinVar aggregate classification (germline): Uncertain significance (1 of 4 stars; one submission).

Submission:

CeGaT Center for Human Genetics Tuebingen
Classification: Uncertain significance. Last evaluated: 2025-03-01. Review status: criteria provided, single submitter. Criteria: CeGaT Center For Human Genetics Tuebingen Variant Classification Criteria Version 2. Collection method: clinical testing. Allele origin: germline. Affected: yes. Observed: 1 variant allele.
Comment: ZMYM3: PM2, PP2, BP4